The following is an entry in ClinVar:

NM_001844.5(COL2A1):c.3273del (p.Gly1092fs)

Gene: COL2A1 (collagen type II alpha 1 chain; minus strand). Cytogenetic location: 12q13.11.
Variant type: Deletion.
Coding change: c.3273del on transcript NM_001844.5 (MANE Select); coding-DNA position 3273, one base deleted (T; older notation c.3273delT).
Protein change: p.Gly1092fs; shifts the reading frame from glycine 1092.
Molecular consequence: frameshift variant.
Genome position (GRCh38, 1-based): chr12:47,977,320, A deleted on the plus strand (T on the coding strand, the reverse complement: COL2A1 is on the minus strand). VCF-style (leftmost placement, unchanged base first): chr12-47977319-CA-C. GRCh37 (hg19) VCF-style: chr12-48371102-CA-C.
Other names: c.3066del, p.Gly1023fs (NM_033150.3); short protein forms G1092fs, G1023fs.
Identifiers: ClinVar variation 4735958 (VCV004735958.1).
Genomic context (GRCh38, chr12:47,977,319, plus strand): 5'-GGGACTGCCTCAGCCCCACCGCGCAGGGGAAGGCGGCTTTTACTGAATTCAGGATACTTA[CA>C]GCTTCTCCTCTGTCTCCTTGCTTGCCAGTTGGACCAGCGGGGCCAGGGGAGCCAGGGGGC-3'

ClinVar aggregate classification (germline): Pathogenic (1 of 4 stars; one submission).

Submission:

Labcorp Genetics (formerly Invitae), Labcorp
Classification: Pathogenic. Last evaluated: 2026-01-26. Review status: criteria provided, single submitter. Criteria: Invitae Variant Classification Sherloc (09022015). Collection method: clinical testing. Allele origin: germline.
Comment: This sequence change creates a premature translational stop signal (p.Gly1092Valfs*38) in the COL2A1 gene. It is expected to result in an absent or disrupted protein product. Loss-of-function variants in COL2A1 are known to be pathogenic (PMID: 20179744). This variant is not present in population databases (gnomAD no frequency). This variant has not been reported in the literature in individuals affected with COL2A1-related conditions. Algorithms developed to predict the effect of sequence changes on RNA splicing suggest that this variant may disrupt the consensus splice site. For these reasons, this variant has been classified as Pathogenic.

Literature cited by the submitters: PubMed 20179744.